The following is an entry in ClinVar:

ClinVar aggregate classification (germline): Benign (1 of 4 stars; one submission).

Allele frequency attached by ClinVar (database versions not stated): 1000 Genomes Project 30x 0.03545; 1000 Genomes Project 0.03614; TOPMed 0.05209; gnomAD 0.05587 and 0.05688.
gnomAD v4.1: 8,555 of 152,240 alleles (5.6%); highest among the groups gnomAD compares: Middle Eastern, 11%; 345 homozygotes.

Submission:

GeneDx
Classification: Benign. Last evaluated: 2018-06-14. Review status: criteria provided, single submitter. Criteria: GeneDx Variant Classification (06012015). Collection method: clinical testing. Allele origin: germline. Affected: yes.
Comment: This variant is considered likely benign or benign based on one or more of the following criteria: it is a conservative change, it occurs at a poorly conserved position in the protein, it is predicted to be benign by multiple in silico algorithms, and/or has population frequency not consistent with disease.

NM_002755.4(MAP2K1):c.896-291G>C

Gene: MAP2K1 (mitogen-activated protein kinase kinase 1; plus strand). Cytogenetic location: 15q22.31.
Variant type: single nucleotide variant.
Coding change: c.896-291G>C on transcript NM_002755.4 (MANE Select); 291 bases into the intron before coding-DNA position 896, G replaced by C.
Molecular consequence: intron variant.
Genome position (GRCh38, 1-based): chr15:66,486,937, G>C. VCF-style: chr15-66486937-G-C. GRCh37 (hg19) VCF-style: chr15-66779275-G-C.
Identifiers: ClinVar variation 561876 (VCV000561876.1), dbSNP rs36047146, ClinGen allele CA271675421.